The following is an entry in ClinVar:

NM_020919.4(ALS2):c.1007_1008del (p.Ile336fs)

Gene: ALS2 (alsin Rho guanine nucleotide exchange factor ALS2; minus strand). Cytogenetic location: 2q33.1.
Variant type: Deletion.
Coding change: c.1007_1008del on transcript NM_020919.4 (MANE Select); coding-DNA positions 1007 to 1008, 2 bases deleted (TA; older notation c.1007_1008delTA).
Protein change: p.Ile336fs; shifts the reading frame from isoleucine 336.
Molecular consequence: frameshift variant.
Genome position (GRCh38, 1-based): chr2:201,760,986-201,760,987, TA deleted on the plus strand (TA on the coding strand, the reverse complement: ALS2 is on the minus strand); deleting any 2 consecutive bases within chr2:201,760,986-201,760,988 gives the same sequence; the c. name uses the placement nearest the transcript's 3' end. VCF-style (leftmost placement, unchanged base first): chr2-201760985-GTA-G. GRCh37 (hg19) VCF-style: chr2-202625708-GTA-G.
Other names: c.1007_1008delTA; c.1007_1008del, p.Ile336fs (NM_001135745.2); short protein forms I336fs.
Identifiers: ClinVar variation 4411 (VCV000004411.10), dbSNP rs386134175, ClinGen allele CA340246.

ClinVar aggregate classification (germline): Pathogenic. Review status: criteria provided, single submitter (1 of 4 stars). 3 submissions from 3 submitters: Pathogenic (1). 2 of the submissions do not count toward it. Last evaluated 2018-03-25.

Conditions:
Infantile-onset ascending hereditary spastic paralysis (IAHSP). Also called: Autosomal Recessive Juvenile Amyotrophic Lateral Sclerosis; Infantile-Onset Ascending Hereditary Spastic Paralysis (IAHSP). Identifiers: Orphanet 293168, MedGen C2931441, MONDO:0011797, OMIM 607225. Disease mechanism: loss of function.

Submissions (3):

Labcorp Genetics (formerly Invitae), Labcorp
Classification: Pathogenic for Infantile-onset ascending hereditary spastic paralysis. Last evaluated: 2018-03-25. Review status: criteria provided, single submitter. Criteria: Invitae Variant Classification Sherloc (09022015). Collection method: clinical testing. Allele origin: germline.
Comment: This variant is not present in population databases (ExAC no frequency). This variant has been reported as homozygous in an individual affected with infantile-onset ascending hereditary spastic paraplegia (PMID: 12145748). ClinVar contains an entry for this variant (Variation ID: 4411). Loss-of-function variants in ALS2 are known to be pathogenic (PMID: 11586298, 24315819). For these reasons, this variant has been classified as Pathogenic. This sequence change creates a premature translational stop signal (p.Ile336Thrfs*5) in the ALS2 gene. It is expected to result in an absent or disrupted protein product.

GeneReviews
Classification: Pathogenic for ALS2-Related Disorders. Last evaluated: 2011-02-10. Review status: no assertion criteria provided. Collection method: curation. Allele origin: unknown. Not counted in ClinVar's aggregate classification.
ClinVar note: Converted during submission from pathologic to Pathogenic.

OMIM
Classification: Pathogenic for SPASTIC PARALYSIS, INFANTILE-ONSET ASCENDING. Last evaluated: 2002-09-01. Review status: no assertion criteria provided. Collection method: literature only. Allele origin: germline. Not counted in ClinVar's aggregate classification.

Literature cited by the submitters: PubMed 12145748 (cited by Labcorp Genetics (formerly Invitae), Labcorp and OMIM); PubMed 11586298 (cited by Labcorp Genetics (formerly Invitae), Labcorp); PubMed 24315819 (cited by Labcorp Genetics (formerly Invitae), Labcorp).